The following is an entry in ClinVar:

NM_001267727.2(ARSG):c.454+1G>T

Gene: ARSG (arylsulfatase G; plus strand). Cytogenetic location: 17q24.2.
Variant type: single nucleotide variant.
Coding change: c.454+1G>T on transcript NM_001267727.2 (MANE Select); the canonical splice donor site of the intron after coding-DNA position 454, G replaced by T.
Molecular consequence: splice donor variant. On other transcripts: intron variant (1).
Genome position (GRCh38, 1-based): chr17:68,347,173, G>T. VCF-style: chr17-68347173-G-T. GRCh37 (hg19) VCF-style: chr17-66343314-G-T.
Other names: c.454+1G>T (NM_001352904.2, NM_014960.5, NM_001352903.2 and 8 more transcripts); c.406+3382G>T (NM_001352909.2).
Identifiers: ClinVar variation 1051129 (VCV001051129.7), dbSNP rs2146309254, ClinGen allele CA400739880.

ClinVar aggregate classification (germline): Pathogenic (1 of 4 stars; one submission).

Submission:

Labcorp Genetics (formerly Invitae), Labcorp
Classification: Pathogenic. Last evaluated: 2023-07-21. Review status: criteria provided, single submitter. Criteria: Invitae Variant Classification Sherloc (09022015). Collection method: clinical testing. Allele origin: germline.
Comment: This sequence change affects a donor splice site in intron 4 of the ARSG gene. It is expected to disrupt RNA splicing. Variants that disrupt the donor or acceptor splice site typically lead to a loss of protein function (PMID: 16199547), and loss-of-function variants in ARSG are known to be pathogenic (PMID: 26975023, 34223797). This variant is not present in population databases (gnomAD no frequency). Disruption of this splice site has been observed in individual(s) with clinical features of Usher syndrome (Invitae). ClinVar contains an entry for this variant (Variation ID: 1051129). Algorithms developed to predict the effect of sequence changes on RNA splicing suggest that this variant may disrupt the consensus splice site. For these reasons, this variant has been classified as Pathogenic.

Literature cited by the submitters: PubMed 16199547; PubMed 26975023; PubMed 34223797.